The following is an entry in ClinVar:

NM_152327.5(AK7):c.1276G>A (p.Glu426Lys)

Gene: AK7 (adenylate kinase 7; plus strand). Cytogenetic location: 14q32.2.
Variant type: single nucleotide variant.
Coding change: c.1276G>A on transcript NM_152327.5 (MANE Select); coding-DNA position 1276, G replaced by A.
Protein change: p.Glu426Lys; replaces glutamic acid 426 with lysine.
Molecular consequence: missense variant.
Genome position (GRCh38, 1-based): chr14:96,458,131, G>A. VCF-style: chr14-96458131-G-A. GRCh37 (hg19) VCF-style: chr14-96924468-G-A.
Other names: c.1276G>A, p.Glu426Lys (NM_001350888.2, NM_001350890.2, NM_001350892.2); c.1198G>A, p.Glu400Lys (NM_001350891.2); c.1276G>A (NM_152327.2); short protein forms E426K, E400K.
Identifiers: ClinVar variation 1897597 (VCV001897597.6), dbSNP rs149622950, ClinGen allele CA7337802.

ClinVar aggregate classification (germline): Uncertain significance. Review status: criteria provided, multiple submitters, no conflicts (2 of 4 stars). 2 submissions from 2 submitters: Uncertain significance (2). Last evaluated 2025-09-26.

Allele frequency attached by ClinVar (database versions not stated): ExAC 0.00003; TOPMed 0.00003; gnomAD 0.00004; 1000 Genomes Project 30x 0.00016; 1000 Genomes Project 0.00020.
gnomAD v4.1: 89 of 1,613,984 alleles (0.0055%); highest among the groups gnomAD compares: Middle Eastern, 0.017%; no homozygotes.

Submissions (2):

Ambry Genetics
Classification: Uncertain significance. Last evaluated: 2025-09-26. Review status: criteria provided, single submitter. Criteria: Ambry Variant Classification Scheme 2023. Collection method: clinical testing. Allele origin: germline.

Labcorp Genetics (formerly Invitae), Labcorp
Classification: Uncertain significance. Last evaluated: 2023-05-22. Review status: criteria provided, single submitter. Criteria: Invitae Variant Classification Sherloc (09022015). Collection method: clinical testing. Allele origin: germline.
Comment: This sequence change replaces glutamic acid, which is acidic and polar, with lysine, which is basic and polar, at codon 426 of the AK7 protein (p.Glu426Lys). This variant is present in population databases (rs149622950, gnomAD 0.004%). This variant has not been reported in the literature in individuals affected with AK7-related conditions. ClinVar contains an entry for this variant (Variation ID: 1897597). Advanced modeling of protein sequence and biophysical properties (such as structural, functional, and spatial information, amino acid conservation, physicochemical variation, residue mobility, and thermodynamic stability) performed at Invitae indicates that this missense variant is not expected to disrupt AK7 protein function. In summary, the available evidence is currently insufficient to determine the role of this variant in disease. Therefore, it has been classified as a Variant of Uncertain Significance.